The following is an entry in ClinVar:

ClinVar aggregate classification (germline): Uncertain significance (1 of 4 stars; one submission).

Submission:

Labcorp Genetics (formerly Invitae), Labcorp
Classification: Uncertain significance. Last evaluated: 2025-08-15. Review status: criteria provided, single submitter. Criteria: Invitae Variant Classification Sherloc (09022015). Collection method: clinical testing. Allele origin: germline.
Comment: This sequence change falls in intron 4 of the ANKZF1 gene. It does not directly change the encoded amino acid sequence of the ANKZF1 protein. It affects a nucleotide within the consensus splice site. This variant is not present in population databases (gnomAD no frequency). This variant has not been reported in the literature in individuals affected with ANKZF1-related conditions. Variants that disrupt the consensus splice site are a relatively common cause of aberrant splicing (PMID: 17576681, 9536098). Algorithms developed to predict the effect of sequence changes on RNA splicing suggest that this variant is not likely to affect RNA splicing. In summary, the available evidence is currently insufficient to determine the role of this variant in disease. Therefore, it has been classified as a Variant of Uncertain Significance.

Literature cited by the submitters: PubMed 17576681; PubMed 9536098.

NM_018089.3(ANKZF1):c.364+5_364+7del

Gene: ANKZF1 (ankyrin repeat and zinc finger peptidyl tRNA hydrolase 1; plus strand). Cytogenetic location: 2q35.
Variant type: Microsatellite.
Coding change: c.364+5_364+7del on transcript NM_018089.3 (MANE Select); bases 5 to 7 of the intron after coding-DNA position 364, 3 bases deleted (TGA; older notation c.364+5_364+7delTGA).
Molecular consequence: splice donor variant. On other transcripts: intron variant (1).
Genome position (GRCh38, 1-based): chr2:219,232,367-219,232,369, TGA deleted; deleting any 3 consecutive bases within chr2:219,232,364-219,232,369 gives the same sequence; the c. name uses the placement nearest the transcript's 3' end. VCF-style (leftmost placement, unchanged base first): chr2-219232363-GTGA-G. GRCh37 (hg19) VCF-style: chr2-220097085-GTGA-G.
Other names: c.364+5_364+7del (NM_001042410.2); c.-266-123_-266-121del (NM_001282792.2).
Identifiers: ClinVar variation 4779578 (VCV004779578.1).